The following is an entry in ClinVar:

NM_000397.4(CYBB):c.664C>T (p.His222Tyr)

Gene: CYBB (cytochrome b-245 beta chain; plus strand). Cytogenetic location: Xp21.1.
Variant type: single nucleotide variant.
Coding change: c.664C>T on transcript NM_000397.4 (MANE Select); coding-DNA position 664, C replaced by T.
Protein change: p.His222Tyr; replaces histidine 222 with tyrosine.
Molecular consequence: missense variant.
Genome position (GRCh38, 1-based): chrX:37,796,131, C>T. VCF-style: chrX-37796131-C-T. GRCh37 (hg19) VCF-style: chrX-37655384-C-T.
Other names: short protein forms H222Y.
Identifiers: ClinVar variation 68402 (VCV000068402.3), dbSNP rs151344460, ClinGen allele CA219736.
Genomic context (GRCh38, chrX:37,796,131, plus strand): 5'-TTTGAAGTCTTTTGGTACACACATCATCTCTTTGTGATCTTCTTCATTGGCCTTGCCATC[C>T]ATGGAGCTGAGTGAGTGTTTAAATTCTGAAGTGAAGGATTTCATGTCCCTCAATTTCTAG-3'
Protein context (NP_000388.2, residues 212-232): FVIFFIGLAI[His222Tyr]GAERIVRGQT

ClinVar aggregate classification (germline): Likely pathogenic. Review status: criteria provided, single submitter (1 of 4 stars). 2 submissions from 2 submitters: Likely pathogenic (1). 1 of the submissions does not count toward it.

Conditions:
X-linked Mendelian susceptibility to mycobacterial diseases due to CYBB deficiency. Also called: IMMUNODEFICIENCY 34; IMMUNODEFICIENCY 34, MYCOBACTERIOSIS, X-LINKED. Identifiers: Orphanet 319605, MedGen C1970859, MONDO:0010389, OMIM 300645.
Granulomatous disease, chronic, X-linked. Also called: GRANULOMATOUS DISEASE, CHRONIC, X-LINKED, SOMATIC MOSAIC; CYTOCHROME b-NEGATIVE GRANULOMATOUS DISEASE, CHRONIC, X-LINKED. Identifiers: Orphanet 379, MedGen C1844376, MONDO:0010600, OMIM 306400.

Submissions (2):

Juno Genomics, Hangzhou Juno Genomics, Inc
Classification: Likely pathogenic for Granulomatous disease, chronic, X-linked; X-linked Mendelian susceptibility to mycobacterial diseases due to CYBB deficiency. Review status: criteria provided, single submitter. Criteria: ACMG Guidelines, 2015. Collection method: clinical testing. Allele origin: germline.
Comment: Absent from controls (or at extremely low frequency if recessive) in Genome Aggregation Database.;Multiple lines of computational evidence support a deleterious effect on the gene or gene product.;The prevalence of the variant in affected individuals is significantly increased compared to the prevalence in controls.;Patient's phenotype or family history is highly specific for a disease with a single genetic etiology.;Novel missense change at an amino acid residue where a different missense change determined to be pathogenic has been seen before.

UniProtKB/Swiss-Prot
No classification provided. Review status: no classification provided. Collection method: not provided. Allele origin: not provided. Not counted in ClinVar's aggregate classification.